The following is an entry in ClinVar:

NM_001040142.2(SCN2A):c.1283A>T (p.Tyr428Phe)

Gene: SCN2A (sodium voltage-gated channel alpha subunit 2; plus strand). Cytogenetic location: 2q24.3.
Variant type: single nucleotide variant.
Coding change: c.1283A>T on transcript NM_001040142.2 (MANE Select); coding-DNA position 1283, A replaced by T.
Protein change: p.Tyr428Phe; replaces tyrosine 428 with phenylalanine.
Molecular consequence: missense variant.
Genome position (GRCh38, 1-based): chr2:165,314,008, A>T. VCF-style: chr2-165314008-A-T. GRCh37 (hg19) VCF-style: chr2-166170518-A-T.
Other names: c.1283A>T, p.Tyr428Phe (NM_001040143.2, NM_001371246.1, NM_001371247.1 and 1 more transcripts); short protein forms Y428F.
Identifiers: ClinVar variation 1527961 (VCV001527961.3), dbSNP rs796053182, ClinGen allele CA349022281.

ClinVar aggregate classification (germline): Likely pathogenic. Review status: criteria provided, multiple submitters, no conflicts (2 of 4 stars). 2 submissions from 2 submitters: Likely pathogenic (2). Last evaluated 2025-05-06.

Conditions:
Autosomal dominant SCN2A-related disorders.
Developmental and epileptic encephalopathy, 11 (DEE11). Also called: Early infantile epileptic encephalopathy 11. Identifiers: Orphanet 1934, MedGen C3150987, MONDO:0013388, OMIM 613721.

Submissions (2):

Variantyx, Inc.
Classification: Likely pathogenic for Autosomal dominant SCN2A-related disorders. Last evaluated: 2025-05-06. Review status: criteria provided, single submitter. Criteria: Variantyx Assertion Criteria 2022. Collection method: clinical testing. Allele origin: de novo. Inheritance: Autosomal dominant inheritance. Affected: yes.
Comment: This is a nonsynonymous variant in the SCN2A gene (OMIM: 182390). Pathogenic variants in this gene have been associated with autosomal dominant SCN2A-related disorders. This variant has been reported in at least one affected individuals (PMID: 38651838) (PS4). Multiple computational algorithms predict a deleterious effect for this variant (REVEL score: 0.837) (PP3), and an alternate amino acid change at this position (p.Tyr428Cys) has been reported in affected individuals; however, its pathogenicity has not been established. This variant is absent from control populations (PM2). Based on the current evidence, this variant is classified as likely pathogenic for autosomal dominant SCN2A-related disorders.

Provincial Medical Genetics Program of British Columbia, University of British Columbia
Classification: Likely pathogenic for Developmental and epileptic encephalopathy, 11. Last evaluated: 2022-01-01. Review status: criteria provided, single submitter. Criteria: ACMG Guidelines, 2015. Collection method: clinical testing. Allele origin: de novo. Affected: yes.

Literature cited by the submitters: PubMed 38651838 (cited by Variantyx, Inc.).